The following is an entry in ClinVar:

ClinVar aggregate classification (germline): Uncertain significance (1 of 4 stars; one submission).

Conditions:
Andersen Tawil syndrome (LQT7). Also called: LONG QT SYNDROME 7; PERIODIC PARALYSIS, POTASSIUM-SENSITIVE CARDIODYSRHYTHMIC TYPE; Andersen Syndrome; ANDERSEN CARDIODYSRHYTHMIC PERIODIC PARALYSIS; Potassium-sensitive periodic paralysis, ventricular ectopy, and dysmorphic features. Identifiers: Orphanet 37553, MedGen C1563715, MONDO:0008222, OMIM 170390.
Short QT syndrome type 3. Identifiers: Orphanet 51083, MedGen C1865018, MONDO:0012314, OMIM 609622.

gnomAD v4.1: 1 of 1,614,204 alleles (0.000062%); no homozygotes.

Submission:

Labcorp Genetics (formerly Invitae), Labcorp
Classification: Uncertain significance for Short QT syndrome type 3; Andersen Tawil syndrome. Last evaluated: 2025-08-09. Review status: criteria provided, single submitter. Criteria: Invitae Variant Classification Sherloc (09022015). Collection method: clinical testing. Allele origin: germline.
Comment: This sequence change replaces serine, which is neutral and polar, with glycine, which is neutral and non-polar, at codon 283 of the KCNJ2 protein (p.Ser283Gly). This variant is not present in population databases (gnomAD no frequency). This variant has not been reported in the literature in individuals affected with KCNJ2-related conditions. Invitae Evidence Modeling of protein sequence and biophysical properties (such as structural, functional, and spatial information, amino acid conservation, physicochemical variation, residue mobility, and thermodynamic stability) indicates that this missense variant is not expected to disrupt KCNJ2 protein function with a negative predictive value of 95%. In summary, the available evidence is currently insufficient to determine the role of this variant in disease. Therefore, it has been classified as a Variant of Uncertain Significance.

NM_000891.3(KCNJ2):c.847A>G (p.Ser283Gly)

Gene: KCNJ2 (potassium inwardly rectifying channel subfamily J member 2; plus strand). Cytogenetic location: 17q24.3.
Variant type: single nucleotide variant.
Coding change: c.847A>G on transcript NM_000891.3 (MANE Select); coding-DNA position 847, A replaced by G.
Protein change: p.Ser283Gly; replaces serine 283 with glycine.
Molecular consequence: missense variant.
Genome position (GRCh38, 1-based): chr17:70,175,886, A>G. VCF-style: chr17-70175886-A-G. GRCh37 (hg19) VCF-style: chr17-68172027-A-G.
Other names: short protein forms S283G.
Identifiers: ClinVar variation 4794224 (VCV004794224.1).